The following is an entry in ClinVar:

NM_138694.4(PKHD1):c.1570C>T (p.Gln524Ter)

Gene: PKHD1 (PKHD1 ciliary IPT domain containing fibrocystin/polyductin; minus strand). Cytogenetic location: 6p12.2.
Variant type: single nucleotide variant.
Coding change: c.1570C>T on transcript NM_138694.4 (MANE Select); coding-DNA position 1570, C replaced by T.
Protein change: p.Gln524Ter; replaces glutamine 524 with a stop codon.
Molecular consequence: nonsense.
Genome position (GRCh38, 1-based): chr6:52,056,922, G>A on the plus strand (C>T on the coding strand, the complement: PKHD1 is on the minus strand). VCF-style: chr6-52056922-G-A. GRCh37 (hg19) VCF-style: chr6-51921720-G-A.
Other names: c.1570C>T, p.Gln524Ter (NM_170724.3); short protein forms Q524*.
Identifiers: ClinVar variation 4816583 (VCV004816583.2).

ClinVar aggregate classification (germline): Likely pathogenic (1 of 4 stars; one submission).

Conditions:
Autosomal recessive polycystic kidney disease (ARPKD). Also called: AR polycystic kidney disease. Identifiers: Orphanet 731, Orphanet 8378, MedGen C0085548, MeSH D017044, MONDO:0009889.

gnomAD v4.1: 2 of 1,613,862 alleles (0.00012%); highest among the groups gnomAD compares: Non-Finnish European, 0.000085%; no homozygotes.

Submission:

Natera, Inc.
Classification: Likely pathogenic for Autosomal recessive polycystic kidney disease. Last evaluated: 2025-08-19. Review status: criteria provided, single submitter. Criteria: Natera Variant Classification Schema (03/2026). Collection method: clinical testing. Allele origin: germline.
Comment: The c.1570C>T variant in PKHD1 is a nonsense variant predicted to introduce a stop codon at amino acid 524. This variant is expected to result in nonsense mediated decay, truncation, or a dysfunctional protein product. This variant is rare in the general population with a frequency below the threshold expected for the associated phenotype(s). Given the available evidence, this variant is classified as Likely Pathogenic.